The following is an entry in ClinVar:

NC_000023.11:g.(?_32816458)_(32849830_?)del

Gene: DMD (dystrophin; minus strand). Cytogenetic location: Xp21.1.
Variant type: Deletion.
Identifiers: ClinVar variation 655752 (VCV000655752.2).

ClinVar aggregate classification (germline): Pathogenic (1 of 4 stars; one submission).

Conditions:
Duchenne muscular dystrophy (DMD). Also called: MUSCULAR DYSTROPHY, PSEUDOHYPERTROPHIC PROGRESSIVE, DUCHENNE TYPE; Duchenne Muscular Dystrophy (DMD). Identifiers: Orphanet 98896, MedGen C0013264, MONDO:0010679, OMIM 310200.

Submission:

Labcorp Genetics (formerly Invitae), Labcorp
Classification: Pathogenic for Duchenne muscular dystrophy. Last evaluated: 2019-05-15. Review status: criteria provided, single submitter. Criteria: Invitae Variant Classification Sherloc (09022015). Collection method: clinical testing. Allele origin: germline.
Comment: This variant is an out-of-frame deletion of the genomic region encompassing exons 3-6 of the DMD gene. This is expected to create a premature translational stop signal and result in an absent or disrupted protein product. Deletions of exons 3-6 have been reported in individuals affected with Duchenne muscular dystrophy (PMID: 18646563, 9800909) and an individual with X-linked dilated cardiomyopathy (PMID: 21851881). Loss-of-function variants in DMD are known to be pathogenic (PMID: 16770791, 25007885). For these reasons, this variant has been classified as Pathogenic.

Literature cited by the submitters: PubMed 9800909; PubMed 18646563; PubMed 21851881.